The following is an entry in ClinVar:

NM_001282225.2(ADA2):c.1442+6T>C

Gene: ADA2 (adenosine deaminase 2; minus strand). Cytogenetic location: 22q11.1.
Variant type: single nucleotide variant.
Coding change: c.1442+6T>C on transcript NM_001282225.2 (MANE Select); 6 bases into the intron after coding-DNA position 1442, T replaced by C.
Molecular consequence: intron variant.
Genome position (GRCh38, 1-based): chr22:17,181,814, A>G on the plus strand (T>C on the coding strand, the complement: ADA2 is on the minus strand). VCF-style: chr22-17181814-A-G. GRCh37 (hg19) VCF-style: chr22-17662704-A-G.
Other names: c.1316+6T>C (NM_001282227.2, NM_001282228.2); c.1082+6T>C (NM_001282229.2); c.1442+6T>C (NM_001282226.2); c.719+6T>C (NM_177405.3).
Identifiers: ClinVar variation 660764 (VCV000660764.11), dbSNP rs369050563, ClinGen allele CA10087873.

ClinVar aggregate classification (germline): Uncertain significance. Review status: criteria provided, multiple submitters, no conflicts (2 of 4 stars). 3 submissions from 3 submitters: Uncertain significance (3). Last evaluated 2024-05-30.

Conditions:
Deficiency of adenosine deaminase 2. Also called: Polyarteritis nodosa, childhoood-onset; Adenosine Deaminase 2 Deficiency; VASCULITIS, AUTOINFLAMMATION, IMMUNODEFICIENCY, AND HEMATOLOGIC DEFECTS SYNDROME. Identifiers: Orphanet 404553, MedGen C3887654, MONDO:0014306, OMIM 615688, MONDO:0100317.
Sneddon syndrome (SNDNS). Also called: LIVEDO RETICULARIS AND CEREBROVASCULAR ACCIDENTS; Idiopathic livedo reticularis with systemic involvement. Identifiers: Orphanet 820, MedGen C0282492, MONDO:0008436, OMIM 182410.

Allele frequency attached by ClinVar (database versions not stated): gnomAD exomes 0.00007 and 0.00008; ESP Exome Variant Server 0.00015; gnomAD 0.00003 and 0.00004; TOPMed 0.00004; ExAC 0.00005.
gnomAD v4.1: 117 of 1,611,678 alleles (0.0073%); highest among the groups gnomAD compares: Non-Finnish European, 0.0053%; no homozygotes.

Submissions (3):

Fulgent Genetics
Classification: Uncertain significance for Sneddon syndrome; Deficiency of adenosine deaminase 2. Last evaluated: 2024-05-30. Review status: criteria provided, single submitter. Criteria: ACMG Guidelines, 2015. Collection method: clinical testing. Allele origin: germline.

Labcorp Genetics (formerly Invitae), Labcorp
Classification: Uncertain significance for Deficiency of adenosine deaminase 2. Last evaluated: 2023-12-12. Review status: criteria provided, single submitter. Criteria: Invitae Variant Classification Sherloc (09022015). Collection method: clinical testing. Allele origin: germline.
Comment: This sequence change falls in intron 9 of the ADA2 gene. It does not directly change the encoded amino acid sequence of the ADA2 protein. It affects a nucleotide within the consensus splice site. This variant is present in population databases (rs369050563, gnomAD 0.2%). This variant has not been reported in the literature in individuals affected with ADA2-related conditions. ClinVar contains an entry for this variant (Variation ID: 660764). Variants that disrupt the consensus splice site are a relatively common cause of aberrant splicing (PMID: 17576681, 9536098). Algorithms developed to predict the effect of sequence changes on RNA splicing suggest that this variant is not likely to affect RNA splicing. In summary, the available evidence is currently insufficient to determine the role of this variant in disease. Therefore, it has been classified as a Variant of Uncertain Significance.

ARUP Laboratories, Molecular Genetics and Genomics, ARUP Laboratories
Classification: Uncertain significance. Last evaluated: 2023-09-20. Review status: criteria provided, single submitter. Criteria: ARUP Molecular Germline Variant Investigation Process 2024. Collection method: clinical testing. Allele origin: germline.
Comment: The ADA2 c.1442+6T>C variant (rs369050563), to our knowledge, is not reported in the medical literature but is reported in ClinVar (Variation ID: 660764). This variant is observed in the general population with an overall allele frequency of 0.007% (17/250984 alleles) in the Genome Aggregation Database. This is an intronic variant in a weakly conserved nucleotide, but computational analyses (Alamut Visual Plus v.1.5.1) predict that this variant may impact splicing by weakening the nearby canonical donor splice site. Due to limited information, the clinical significance of this variant is uncertain at this time.

Literature cited by the submitters: PubMed 17576681 (cited by Labcorp Genetics (formerly Invitae), Labcorp); PubMed 9536098 (cited by Labcorp Genetics (formerly Invitae), Labcorp).